The following is an entry in ClinVar:

ClinVar aggregate classification (germline): Uncertain significance. Review status: criteria provided, multiple submitters, no conflicts (2 of 4 stars). 3 submissions from 3 submitters: Uncertain significance (3). Last evaluated 2025-01-15.

Conditions:
Inborn genetic diseases. Identifiers: MedGen C0950123, MeSH D030342.
Bethlem myopathy 1A. Also called: Bethlem myopathy 1; MYOPATHY, BENIGN CONGENITAL, WITH CONTRACTURES; Bethlem Muscular Dystrophy. Identifiers: Orphanet 610, MedGen CN029274, MONDO:0024530, OMIM 158810.

Allele frequency attached by ClinVar (database versions not stated): gnomAD exomes 0.00001; gnomAD 0.00003; TOPMed 0.00004.
gnomAD v4.1: 22 of 1,612,968 alleles (0.0014%); highest among the groups gnomAD compares: Non-Finnish European, 0.0019%; no homozygotes.

Submissions (3):

Ambry Genetics
Classification: Uncertain significance for Inborn genetic diseases. Last evaluated: 2025-01-15. Review status: criteria provided, single submitter. Criteria: Ambry Variant Classification Scheme 2023. Collection method: clinical testing. Allele origin: germline.

Labcorp Genetics (formerly Invitae), Labcorp
Classification: Uncertain significance for Bethlem myopathy 1. Last evaluated: 2018-08-16. Review status: criteria provided, single submitter. Criteria: Invitae Variant Classification Sherloc (09022015). Collection method: clinical testing. Allele origin: germline.
Comment: This sequence change replaces arginine with histidine at codon 95 of the COL6A2 protein (p.Arg95His). The arginine residue is weakly conserved and there is a small physicochemical difference between arginine and histidine. This variant is not present in population databases (ExAC no frequency). This variant has not been reported in the literature in individuals with COL6A2-related disease. ClinVar contains an entry for this variant (Variation ID: 283712). Algorithms developed to predict the effect of missense changes on protein structure and function output the following: SIFT: "Tolerated"; PolyPhen-2: "Benign"; Align-GVGD: "Class C0". The histidine amino acid residue is found in multiple mammalian species, suggesting that this missense change does not adversely affect protein function. These predictions have not been confirmed by published functional studies and their clinical significance is uncertain. In summary, the available evidence is currently insufficient to determine the role of this variant in disease. Therefore, it has been classified as a Variant of Uncertain Significance.

Eurofins Ntd Llc (ga)
Classification: Uncertain significance. Last evaluated: 2015-10-02. Review status: criteria provided, single submitter. Criteria: EGL Classification Definitions 2015. Collection method: clinical testing. Allele origin: germline. Observed: 1 variant allele, 1 heterozygote.

NM_001849.4(COL6A2):c.284G>A (p.Arg95His)

Gene: COL6A2 (collagen type VI alpha 2 chain; plus strand). Cytogenetic location: 21q22.3.
Variant type: single nucleotide variant.
Coding change: c.284G>A on transcript NM_001849.4 (MANE Select); coding-DNA position 284, G replaced by A.
Protein change: p.Arg95His; replaces arginine 95 with histidine.
Molecular consequence: missense variant.
Genome position (GRCh38, 1-based): chr21:46,112,147, G>A. VCF-style: chr21-46112147-G-A. GRCh37 (hg19) VCF-style: chr21-47532061-G-A.
Other names: c.284G>A, p.Arg95His (NM_058174.3, NM_058175.3); short protein forms R95H.
Identifiers: ClinVar variation 283712 (VCV000283712.9), dbSNP rs886042690, ClinGen allele CA10604570.